The following is an entry in ClinVar:

ClinVar aggregate classification (germline): Likely benign. Review status: criteria provided, multiple submitters, no conflicts (2 of 4 stars). 3 submissions from 3 submitters: Likely benign (2). 1 of the submissions does not count toward it. Last evaluated 2026-02-01.

Conditions:
KIF1A-related disorder. Also called: KIF1A-related disorders; KIF1A-related condition.
Neuropathy, hereditary sensory, type 2C. Also called: Hereditary sensory and autonomic neuropathy type IIC; KIF1A-Related HSAN2 (HSAN2C). Identifiers: Orphanet 970, MedGen C3280168, MONDO:0013634, OMIM 614213.
Intellectual disability, autosomal dominant 9 (NESCAVS). Also called: NESCAV SYNDROME; KIF1A-Related Neurodevelopmental Disorder. Identifiers: Orphanet 662367, MedGen C5393830, MONDO:0013656, OMIM 614255.
Hereditary spastic paraplegia 30. Identifiers: Orphanet 101010, MedGen C5235139, MONDO:0012476.

Allele frequency attached by ClinVar (database versions not stated): gnomAD exomes 0.00004 and 0.00005; gnomAD 0.00006; TOPMed 0.00009; ExAC 0.00014.
gnomAD v4.1: 65 of 1,486,610 alleles (0.0044%); highest among the groups gnomAD compares: South Asian, 0.022%; no homozygotes.

Submissions (3):

Labcorp Genetics (formerly Invitae), Labcorp
Classification: Likely benign for Hereditary spastic paraplegia 30; Neuropathy, hereditary sensory, type 2C; Intellectual disability, autosomal dominant 9. Last evaluated: 2026-02-01. Review status: criteria provided, single submitter. Criteria: Invitae Variant Classification Sherloc (09022015). Collection method: clinical testing. Allele origin: germline.

GeneDx
Classification: Likely benign. Last evaluated: 2017-11-30. Review status: criteria provided, single submitter. Criteria: GeneDx Variant Classification (06012015). Collection method: clinical testing. Allele origin: germline. Affected: yes.
Comment: This variant is considered likely benign or benign based on one or more of the following criteria: it is a conservative change, it occurs at a poorly conserved position in the protein, it is predicted to be benign by multiple in silico algorithms, and/or has population frequency not consistent with disease.

PreventionGenetics, part of Exact Sciences
Classification: Likely benign for KIF1A-related condition. Last evaluated: 2019-07-01. Review status: no assertion criteria provided. Collection method: clinical testing. Allele origin: germline. Not counted in ClinVar's aggregate classification.
Comment: This variant is classified as likely benign based on ACMG/AMP sequence variant interpretation guidelines (Richards et al. 2015 PMID: 25741868, with internal and published modifications).

NM_001244008.2(KIF1A):c.2022+9C>T

Gene: KIF1A (kinesin family member 1A; minus strand). Cytogenetic location: 2q37.3.
Variant type: single nucleotide variant.
Coding change: c.2022+9C>T on transcript NM_001244008.2 (MANE Select); 9 bases into the intron after coding-DNA position 2022, C replaced by T.
Molecular consequence: intron variant.
Genome position (GRCh38, 1-based): chr2:240,763,010, G>A on the plus strand (C>T on the coding strand, the complement: KIF1A is on the minus strand). VCF-style: chr2-240763010-G-A. GRCh37 (hg19) VCF-style: chr2-241702427-G-A.
Other names: c.1995+9C>T (NM_001379653.1, NM_001379650.1, NM_001379645.1 and 10 more transcripts); c.2097+9C>T (NM_001379635.1, NM_001330290.2, NM_001379646.1 and 2 more transcripts); c.2070+9C>T (NM_001379637.1, NM_001379648.1); c.2022+9C>T (NM_001320705.2, NM_001379638.1, NM_001330289.2 and 1 more transcripts).
Identifiers: ClinVar variation 464216 (VCV000464216.14), dbSNP rs751175706, ClinGen allele CA2208224.
Genomic context (GRCh38, chr2:240,763,010, plus strand): 5'-GCGTGGGAGGACAGGGGTCCCCTGGTGTGGGTGGGGGCTGGGCAGGGAGGGCGGGGCCAC[G>A]TCACTCACCAGCCGCTGCTGCTCCAGCAGGTAGGTGGCCTCCTCCCGCTCGCGGCGGTAC-3'